The following is an entry in ClinVar:

NM_004994.3(MMP9):c.1679G>A (p.Trp560Ter)

Genes: MMP9 (matrix metallopeptidase 9; plus strand), SLC12A5-AS1 (SLC12A5 and MMP9 antisense RNA 1; minus strand). Cytogenetic location: 20q13.12.
Variant type: single nucleotide variant.
Coding change: c.1679G>A on transcript NM_004994.3 (MANE Select); coding-DNA position 1679, G replaced by A.
Protein change: p.Trp560Ter; replaces tryptophan 560 with a stop codon.
Molecular consequence: nonsense. On other transcripts: non-coding transcript variant (1).
Genome position (GRCh38, 1-based): chr20:46,013,725, G>A. VCF-style: chr20-46013725-G-A. GRCh37 (hg19) VCF-style: chr20-44642364-G-A.
Other names: short protein forms W560*.
Identifiers: ClinVar variation 631875 (VCV000631875.9), dbSNP rs138685704, ClinGen allele CA9886803.

ClinVar aggregate classification (germline): Uncertain significance (1 of 4 stars; one submission).

Allele frequency attached by ClinVar (database versions not stated): gnomAD 0.00007 and 0.00008; gnomAD exomes 0.00007 and 0.00009; TOPMed 0.00009; ExAC 0.00010; ESP Exome Variant Server 0.00023.
gnomAD v4.1: 115 of 1,613,774 alleles (0.0071%); highest among the groups gnomAD compares: Non-Finnish European, 0.0069%; no homozygotes.

Submission:

Labcorp Genetics (formerly Invitae), Labcorp
Classification: Uncertain significance. Last evaluated: 2025-08-04. Review status: criteria provided, single submitter. Criteria: Invitae Variant Classification Sherloc (09022015). Collection method: clinical testing. Allele origin: germline.
Comment: This sequence change creates a premature translational stop signal (p.Trp560*) in the MMP9 gene. It is expected to result in an absent or disrupted protein product. However, the current clinical and genetic evidence is not sufficient to establish whether loss-of-function variants in MMP9 cause disease. This variant is present in population databases (rs138685704, gnomAD 0.09%), and has an allele count higher than expected for a pathogenic variant. This premature translational stop signal has been observed in individual(s) with lipomas and vasculitis (PMID: 31847883). ClinVar contains an entry for this variant (Variation ID: 631875). In summary, the available evidence is currently insufficient to determine the role of this variant in disease. Therefore, it has been classified as a Variant of Uncertain Significance.

Literature cited by the submitters: PubMed 31847883.